The following is an entry in ClinVar:

NM_006885.4(ZFHX3):c.3664-6C>T

Genes: ZFHX3 (zinc finger homeobox 3; minus strand), ZFHX3-AS1 (ZFHX3 antisense RNA 1; plus strand). Cytogenetic location: 16q22.3.
Variant type: single nucleotide variant.
Coding change: c.3664-6C>T on transcript NM_006885.4 (MANE Select); 6 bases into the intron before coding-DNA position 3664, C replaced by T.
Molecular consequence: intron variant.
Genome position (GRCh38, 1-based): chr16:72,811,783, G>A on the plus strand (C>T on the coding strand, the complement: ZFHX3 is on the minus strand). VCF-style: chr16-72811783-G-A. GRCh37 (hg19) VCF-style: chr16-72845682-G-A.
Other names: c.3664-6C>T (NM_001386735.1); c.922-6C>T (NM_001164766.2).
Identifiers: ClinVar variation 3055601 (VCV003055601.2), dbSNP rs56991537, ClinGen allele CA8164007.
Genomic context (GRCh38, chr16:72,811,783, plus strand): 5'-CCCGGAGCCGGTTGACATCGGCATTACTGTACTTGCAGTAGGGACACTGGTACATCTGTG[G>A]GGAACACACCCACTGCTTTGAGCAACTGTGTGTGCCCCAAGCCCGCCCACCCAAAAGTTT-3'

ClinVar aggregate classification (germline): Benign (0 of 4 stars; one submission).

Conditions:
ZFHX3-related disorder. Also called: ZFHX3-related condition.

Allele frequency attached by ClinVar (database versions not stated): gnomAD exomes 0.00810; ExAC 0.02614; gnomAD 0.07846; ESP Exome Variant Server 0.08564; 1000 Genomes Project 0.08826; TOPMed 0.08857; 1000 Genomes Project 30x 0.09681.
gnomAD v4.1: 24,338 of 1,611,844 alleles (1.5%); highest among the groups gnomAD compares: African/African-American, 27%; 2,915 homozygotes.

Submission:

PreventionGenetics, part of Exact Sciences
Classification: Benign for ZFHX3-related condition. Last evaluated: 2019-06-04. Review status: no assertion criteria provided. Collection method: clinical testing. Allele origin: germline.
Comment: This variant is classified as benign based on ACMG/AMP sequence variant interpretation guidelines (Richards et al. 2015 PMID: 25741868, with internal and published modifications).